The following is an entry in ClinVar:

ClinVar aggregate classification (germline): Likely pathogenic. Review status: criteria provided, multiple submitters, no conflicts (2 of 4 stars). 3 submissions from 3 submitters: Likely pathogenic (3). Last evaluated 2026-09-08.

Conditions:
Breast-ovarian cancer, familial, susceptibility to, 4. Identifiers: Orphanet 145, MedGen C3280345, MONDO:0013669, OMIM 614291.
Hereditary cancer-predisposing syndrome. Also called: Tumor predisposition; Hereditary neoplastic syndrome; Neoplastic Syndromes, Hereditary; Hereditary Cancer Syndrome. Identifiers: Orphanet 140162, MedGen C0027672, MeSH D009386, MONDO:0015356.

Submissions (3):

Ambry Genetics
Classification: Likely pathogenic for Hereditary cancer-predisposing syndrome. Last evaluated: 2026-09-08. Review status: criteria provided, single submitter. Criteria: Ambry Variant Classification Scheme 2023. Collection method: clinical testing. Allele origin: germline.
Comment: The c.667+1G>T intronic variant results from a G to T substitution one nucleotide after coding exon 7 of the RAD51D gene. This nucleotide position is highly conserved in available vertebrate species. In silico splice site analysis predicts that this alteration will weaken the native splice donor site and may result in the creation or strengthening of a novel splice donor site; however, direct evidence is insufficient at this time (Ambry internal data). Alterations that disrupt the canonical splice site are expected to cause aberrant splicing, resulting in an abnormal protein or a transcript that is subject to nonsense-mediated mRNA decay. As such, this alteration is classified as likely pathogenic.

Myriad Genetics, Inc.
Classification: Likely pathogenic for Breast-ovarian cancer, familial, susceptibility to, 4. Last evaluated: 2024-06-24. Review status: criteria provided, single submitter. Criteria: Myriad Autosomal Dominant, Autosomal Recessive and X-Linked Classification Criteria (2023). Collection method: clinical testing. Allele origin: unknown.
Comment: This variant is considered likely pathogenic. This variant occurs within a consensus splice junction and is predicted to result in abnormal mRNA splicing of either an out-of-frame exon or an in-frame exon necessary for protein stability and/or normal function.

Labcorp Genetics (formerly Invitae), Labcorp
Classification: Likely pathogenic for Breast-ovarian cancer, familial, susceptibility to, 4. Last evaluated: 2024-05-12. Review status: criteria provided, single submitter. Criteria: Invitae Variant Classification Sherloc (09022015). Collection method: clinical testing. Allele origin: germline.
Comment: This sequence change affects a donor splice site in intron 7 of the RAD51D gene. It is expected to disrupt RNA splicing. Variants that disrupt the donor or acceptor splice site typically lead to a loss of protein function (PMID: 16199547), and loss-of-function variants in RAD51D are known to be pathogenic (PMID: 21822267). This variant is not present in population databases (gnomAD no frequency). This variant has not been reported in the literature in individuals affected with RAD51D-related conditions. ClinVar contains an entry for this variant (Variation ID: 826546). Algorithms developed to predict the effect of sequence changes on RNA splicing suggest that this variant may disrupt the consensus splice site. In summary, the currently available evidence indicates that the variant is pathogenic, but additional data are needed to prove that conclusively. Therefore, this variant has been classified as Likely Pathogenic.

Literature cited by the submitters: PubMed 16199547 (cited by Labcorp Genetics (formerly Invitae), Labcorp); PubMed 21822267 (cited by Labcorp Genetics (formerly Invitae), Labcorp).

NM_002878.4(RAD51D):c.667+1G>T

Genes: RAD51D (RAD51 paralog D; minus strand), RAD51L3-RFFL (RAD51L3-RFFL readthrough; minus strand). Cytogenetic location: 17q12.
Variant type: single nucleotide variant.
Coding change: c.667+1G>T on transcript NM_002878.4 (MANE Select); the canonical splice donor site of the intron after coding-DNA position 667, G replaced by T.
Molecular consequence: splice donor variant.
Genome position (GRCh38, 1-based): chr17:35,103,453, C>A on the plus strand (G>T on the coding strand, the complement: RAD51D is on the minus strand). VCF-style: chr17-35103453-C-A. GRCh37 (hg19) VCF-style: chr17-33430472-C-A.
Other names: c.331+1G>T (NM_133629.3); c.727+1G>T (NM_001142571.2).
Identifiers: ClinVar variation 826546 (VCV000826546.14), dbSNP rs1597858666, ClinGen allele CA399087822.